The following is an entry in ClinVar:

ClinVar aggregate classification (germline): Uncertain significance (1 of 4 stars; one submission).

Conditions:
Hereditary cancer-predisposing syndrome. Also called: Neoplastic Syndromes, Hereditary; Tumor predisposition; Hereditary neoplastic syndrome; Hereditary Cancer Syndrome. Identifiers: Orphanet 140162, MedGen C0027672, MeSH D009386, MONDO:0015356.

Submission:

Ambry Genetics
Classification: Uncertain significance for Hereditary cancer-predisposing syndrome. Last evaluated: 2023-11-01. Review status: criteria provided, single submitter. Criteria: Ambry Variant Classification Scheme 2023. Collection method: clinical testing. Allele origin: germline.
Comment: The p.N103Y variant (also known as c.307A>T), located in coding exon 3 of the SDHAF2 gene, results from an A to T substitution at nucleotide position 307. The asparagine at codon 103 is replaced by tyrosine, an amino acid with dissimilar properties. This amino acid position is conserved. In addition, the in silico prediction for this alteration is inconclusive. Since supporting evidence is limited at this time, the clinical significance of this alteration remains unclear.

NM_017841.4(SDHAF2):c.307A>T (p.Asn103Tyr)

Gene: SDHAF2 (succinate dehydrogenase complex assembly factor 2; plus strand). Cytogenetic location: 11q12.2.
Variant type: single nucleotide variant.
Coding change: c.307A>T on transcript NM_017841.4 (MANE Select); coding-DNA position 307, A replaced by T.
Protein change: p.Asn103Tyr; replaces asparagine 103 with tyrosine.
Molecular consequence: missense variant.
Genome position (GRCh38, 1-based): chr11:61,438,050, A>T. VCF-style: chr11-61438050-A-T. GRCh37 (hg19) VCF-style: chr11-61205522-A-T.
Other names: short protein forms N103Y.
Identifiers: ClinVar variation 3227052 (VCV003227052.1), dbSNP rs1862016026, ClinGen allele CA380684117.